The following is an entry in ClinVar:

NM_000064.4(C3):c.3470T>G (p.Ile1157Ser)

Gene: C3 (complement C3; minus strand). Cytogenetic location: 19p13.3.
Variant type: single nucleotide variant.
Coding change: c.3470T>G on transcript NM_000064.4 (MANE Select); coding-DNA position 3470, T replaced by G.
Protein change: p.Ile1157Ser; replaces isoleucine 1157 with serine.
Molecular consequence: missense variant.
Genome position (GRCh38, 1-based): chr19:6,690,648, A>C on the plus strand (T>G on the coding strand, the complement: C3 is on the minus strand). VCF-style: chr19-6690648-A-C. GRCh37 (hg19) VCF-style: chr19-6690659-A-C.
Other names: short protein forms I1157S.
Identifiers: ClinVar variation 4854911 (VCV004854911.1).
Genomic context (GRCh38, chr19:6,690,648, plus strand): 5'-CGGGTAAGGTAGGGTAGGGTGGGAAGATGGAGGGCACTTACGTTGACCTGCTCCTCGCAA[A>C]TATCTTTAGCCTCCTGCAGCGAGATGAGAACAAAGGCCGTGAGGGCCATGTCTTTCTCGT-3'
Protein context (NP_000055.2, residues 1147-1167): VLISLQEAKD[Ile1157Ser]CEEQVNSLPG

ClinVar aggregate classification (germline): Uncertain significance (1 of 4 stars; one submission).

Conditions:
Atypical hemolytic-uremic syndrome with C3 anomaly. Also called: AHUS, SUSCEPTIBILITY TO, 5. Identifiers: Orphanet 2134, MedGen C2752037, MONDO:0013043, OMIM 612925.

Submission:

3billion
Classification: Uncertain significance for Atypical hemolytic-uremic syndrome with C3 anomaly. Last evaluated: 2025-09-01. Review status: criteria provided, single submitter. Criteria: ACMG Guidelines, 2015. Collection method: clinical testing. Allele origin: germline. Affected: yes.
Comment: The variant is not observed in the gnomAD v4.1.0 dataset. Predicted Consequence/Location: Missense variant. The majority of the known disease-causing variants of this gene are variants expected to result in premature termination of the protein. In silico tool predictions suggest no damaging effect of the variant on gene or gene product [REVEL: 0.32 (<0.4); 3Cnet: 0.00 (<0.1, specificity 0.84 and negative predicitive value 0.97)]. A different missense change at the same codon (p.Ile1157Thr) has been reported to be associated with C3-related disorder (ClinVar ID: VCV000988243 /PMID: 20513133). However the evidence of pathogenicity is insufficient at this time. Therefore, this variant is classified as VUS according to the recommendation of ACMG/AMP guideline.

Literature cited by the submitters: PubMed 20513133.